The following is an entry in ClinVar:

ClinVar aggregate classification (germline): Uncertain significance (1 of 4 stars; one submission).

Conditions:
Koolen-de Vries syndrome (KDVS). Identifiers: Orphanet 96169, MedGen C1864871, MONDO:0012496, OMIM 610443.

Submission:

Labcorp Genetics (formerly Invitae), Labcorp
Classification: Uncertain significance for Koolen-de Vries syndrome. Last evaluated: 2024-12-18. Review status: criteria provided, single submitter. Criteria: Invitae Variant Classification Sherloc (09022015). Collection method: clinical testing. Allele origin: germline.
Comment: This variant, c.2089_2094del, results in the deletion of 2 amino acid(s) of the KANSL1 protein (p.Ile697_Lys698del), but otherwise preserves the integrity of the reading frame. This variant is present in population databases (rs772840897, gnomAD 0.003%). This variant has not been reported in the literature in individuals affected with KANSL1-related conditions. Experimental studies and prediction algorithms are not available or were not evaluated, and the functional significance of this variant is currently unknown. In summary, the available evidence is currently insufficient to determine the role of this variant in disease. Therefore, it has been classified as a Variant of Uncertain Significance.

NM_015443.4(KANSL1):c.2089_2094del (p.Ile697_Lys698del)

Gene: KANSL1 (KAT8 regulatory NSL complex subunit 1). Cytogenetic location: 17q21.31.
Variant type: Deletion.
Coding change: c.2089_2094del on transcript NM_015443.4 (MANE Select); coding-DNA positions 2089 to 2094, 6 bases deleted.
Protein change: p.Ile697_Lys698del.
Genome position: GRCh38 VCF-style: chr17-46039810-GTTTGAT-G. GRCh37 (hg19) VCF-style: chr17-44117176-GTTTGAT-G.
Other names: c.2089_2094del, p.Ile697_Lys698del (NM_001193465.2, NM_001193466.2, NM_001379198.1 and 14 more transcripts); c.1987_1992del, p.Ile663_Lys664del (NM_001405859.1, NM_001405860.1, NM_001405861.1 and 1 more transcripts); c.823_828del, p.Ile275_Lys276del (NM_001405882.1, NM_001405883.1, NM_001405884.1 and 1 more transcripts).
Identifiers: ClinVar variation 3637970 (VCV003637970.2).